The following is an entry in ClinVar:

NM_015046.7(SETX):c.3210T>C (p.Leu1070=)

Gene: SETX (senataxin; minus strand). Cytogenetic location: 9q34.13.
Variant type: single nucleotide variant.
Coding change: c.3210T>C on transcript NM_015046.7 (MANE Select); coding-DNA position 3210, T replaced by C.
Protein change: p.Leu1070=; no amino-acid change (leucine 1070 retained).
Molecular consequence: synonymous variant.
Genome position (GRCh38, 1-based): chr9:132,328,388, A>G on the plus strand (T>C on the coding strand, the complement: SETX is on the minus strand). VCF-style: chr9-132328388-A-G. GRCh37 (hg19) VCF-style: chr9-135203775-A-G.
Other names: c.3210T>C, p.Leu1070= (NM_001351527.2, NM_001351528.2).
Identifiers: ClinVar variation 705936 (VCV000705936.20), dbSNP rs145014082, ClinGen allele CA5297449.
Genomic context (GRCh38, chr9:132,328,388, plus strand): 5'-AAACACTTCAGATGAACTTTCAAACTCAAAACACTGAGAATCAGATTCCTCAAACTGAAA[A>G]AGAGTCTCTGTCTTTTCTTCCTTTACTGGATTCTTTTCCTCCTTACTATTAACTGTTGAA-3'
Protein context (NP_055861.3, residues 1060-1080): NPVKEEKTET[Leu1070=]FQFEESDSQC

ClinVar aggregate classification (germline): Likely benign. Review status: criteria provided, multiple submitters, no conflicts (2 of 4 stars). 6 submissions from 5 submitters: Likely benign (5). 1 of the submissions does not count toward it. Last evaluated 2026-02-03.

Conditions:
Amyotrophic lateral sclerosis type 4 (ALS4). Also called: NEURONOPATHY, DISTAL HEREDITARY MOTOR, WITH PYRAMIDAL FEATURES; AMYOTROPHIC LATERAL SCLEROSIS 4, JUVENILE. Identifiers: Orphanet 357043, MedGen C1865409, MONDO:0011223, OMIM 602433.
Spinocerebellar ataxia, autosomal recessive, with axonal neuropathy 2 (SCAN2). Also called: Ataxia-ocular apraxia-2; Ataxia with Oculomotor Apraxia; Ataxia with Oculomotor Apraxia Type 2; ATAXIA-OCULOMOTOR APRAXIA 2. Identifiers: Orphanet 64753, MedGen C1853761, MONDO:0018996, OMIM 606002.
SETX-related disorder. Also called: SETX-related condition; SETX-related disorders. Identifiers: MedGen CN239403.

Allele frequency attached by ClinVar (database versions not stated): gnomAD exomes 0.00003 and 0.00005; ExAC 0.00005; gnomAD 0.00005 and 0.00006; TOPMed 0.00005; ESP Exome Variant Server 0.00015.
gnomAD v4.1: 84 of 1,613,924 alleles (0.0052%); highest among the groups gnomAD compares: Non-Finnish European, 0.0067%; no homozygotes.

Submissions (6):

Women's Health and Genetics/Laboratory Corporation of America, LabCorp
Classification: Likely benign. Last evaluated: 2026-02-03. Review status: criteria provided, single submitter. Criteria: LabCorp Variant Classification Summary - May 2015. Collection method: clinical testing. Allele origin: germline.

Labcorp Genetics (formerly Invitae), Labcorp
Classification: Likely benign for Amyotrophic lateral sclerosis type 4; Spinocerebellar ataxia, autosomal recessive, with axonal neuropathy 2. Last evaluated: 2026-01-31. Review status: criteria provided, single submitter. Criteria: Invitae Variant Classification Sherloc (09022015). Collection method: clinical testing. Allele origin: germline.

Genome-Nilou Lab
Classification: Likely benign for Spinocerebellar ataxia, autosomal recessive, with axonal neuropathy 2. Last evaluated: 2023-02-08. Review status: criteria provided, single submitter. Criteria: ACMG Guidelines, 2015. Collection method: clinical testing. Allele origin: germline.

Genome-Nilou Lab
Classification: Likely benign for Amyotrophic lateral sclerosis type 4. Last evaluated: 2023-02-08. Review status: criteria provided, single submitter. Criteria: ACMG Guidelines, 2015. Collection method: clinical testing. Allele origin: germline.

ARUP Laboratories, Molecular Genetics and Genomics, ARUP Laboratories
Classification: Likely benign. Last evaluated: 2021-06-17. Review status: criteria provided, single submitter. Criteria: ARUP Molecular Germline Variant Investigation Process 2021. Collection method: clinical testing. Allele origin: germline.

PreventionGenetics, part of Exact Sciences
Classification: Likely benign for SETX-related condition. Last evaluated: 2020-08-18. Review status: no assertion criteria provided. Collection method: clinical testing. Allele origin: germline. Not counted in ClinVar's aggregate classification.
Comment: This variant is classified as likely benign based on ACMG/AMP sequence variant interpretation guidelines (Richards et al. 2015 PMID: 25741868, with internal and published modifications).